The following is an entry in ClinVar:

NM_002471.4(MYH6):c.971T>C (p.Ile324Thr)

Gene: MYH6 (myosin heavy chain 6; minus strand). Cytogenetic location: 14q11.2.
Variant type: single nucleotide variant.
Coding change: c.971T>C on transcript NM_002471.4 (MANE Select); coding-DNA position 971, T replaced by C.
Protein change: p.Ile324Thr; replaces isoleucine 324 with threonine.
Molecular consequence: missense variant.
Genome position (GRCh38, 1-based): chr14:23,402,728, A>G on the plus strand (T>C on the coding strand, the complement: MYH6 is on the minus strand). VCF-style: chr14-23402728-A-G. GRCh37 (hg19) VCF-style: chr14-23871937-A-G.
Other names: short protein forms I324T.
Identifiers: ClinVar variation 3222366 (VCV003222366.1), dbSNP rs1891644791, ClinGen allele CA389026919.

ClinVar aggregate classification (germline): Uncertain significance (1 of 4 stars; one submission).

Conditions:
Cardiovascular phenotype. Identifiers: MedGen CN230736.

Allele frequency attached by ClinVar (database versions not stated): gnomAD exomes below 0.00001; TOPMed 0.00001.

Submission:

Ambry Genetics
Classification: Uncertain significance for Cardiovascular phenotype. Last evaluated: 2023-03-05. Review status: criteria provided, single submitter. Criteria: Ambry Variant Classification Scheme 2023. Collection method: clinical testing. Allele origin: germline.
Comment: The p.I324T variant (also known as c.971T>C), located in coding exon 9 of the MYH6 gene, results from a T to C substitution at nucleotide position 971. The isoleucine at codon 324 is replaced by threonine, an amino acid with similar properties. This amino acid position is conserved. In addition, this alteration is predicted to be deleterious by in silico analysis. Since supporting evidence is limited at this time, the clinical significance of this alteration remains unclear.